The following is an entry in ClinVar:

NM_018834.6(MATR3):c.2318A>G (p.Tyr773Cys)

Gene: MATR3 (matrin 3; plus strand). Cytogenetic location: 5q31.2.
Variant type: single nucleotide variant.
Coding change: c.2318A>G on transcript NM_018834.6 (MANE Select); coding-DNA position 2318, A replaced by G.
Protein change: p.Tyr773Cys; replaces tyrosine 773 with cysteine.
Molecular consequence: missense variant.
Genome position (GRCh38, 1-based): chr5:139,325,609, A>G. VCF-style: chr5-139325609-A-G. GRCh37 (hg19) VCF-style: chr5-138661298-A-G.
Other names: p.Tyr773Cys; c.2318A>G, p.Tyr773Cys (NM_001194954.2, NM_001194955.2, NM_199189.3); c.1454A>G, p.Tyr485Cys (NM_001194956.2); c.1304A>G, p.Tyr435Cys (NM_001282278.2); short protein forms Y485C, Y773C, Y435C.
Identifiers: ClinVar variation 906939 (VCV000906939.13), dbSNP rs368217486, ClinGen allele CA3433421.

ClinVar aggregate classification (germline): Conflicting classifications of pathogenicity. Review status: criteria provided, conflicting classifications (1 of 4 stars). 4 submissions from 4 submitters: Uncertain significance (2); Likely benign (2). Last evaluated 2026-01-19.

Conditions:
Inborn genetic diseases. Identifiers: MedGen C0950123, MeSH D030342.
Amyotrophic lateral sclerosis type 21. Also called: VOCAL CORD AND PHARYNGEAL DYSFUNCTION WITH DISTAL MYOPATHY; MYOPATHY, DISTAL, 2. Identifiers: Orphanet 600, Orphanet 803, MedGen C3807521, MONDO:0011632, OMIM 606070.

Allele frequency attached by ClinVar (database versions not stated): ESP Exome Variant Server 0.00008; TOPMed 0.00011.
gnomAD v4.1: 78 of 1,614,112 alleles (0.0048%); highest among the groups gnomAD compares: African/African-American, 0.031%; no homozygotes.

Submissions (4):

Labcorp Genetics (formerly Invitae), Labcorp
Classification: Uncertain significance for Amyotrophic lateral sclerosis type 21. Last evaluated: 2026-01-19. Review status: criteria provided, single submitter. Criteria: Invitae Variant Classification Sherloc (09022015). Collection method: clinical testing. Allele origin: germline.
Comment: This sequence change replaces tyrosine, which is neutral and polar, with cysteine, which is neutral and slightly polar, at codon 773 of the MATR3 protein (p.Tyr773Cys). This variant is present in population databases (rs368217486, gnomAD 0.05%), and has an allele count higher than expected for a pathogenic variant. This variant has not been reported in the literature in individuals affected with MATR3-related conditions. ClinVar contains an entry for this variant (Variation ID: 906939). Invitae Evidence Modeling of protein sequence and biophysical properties (such as structural, functional, and spatial information, amino acid conservation, physicochemical variation, residue mobility, and thermodynamic stability) indicates that this missense variant is not expected to disrupt MATR3 protein function with a negative predictive value of 80%. In summary, the available evidence is currently insufficient to determine the role of this variant in disease. Therefore, it has been classified as a Variant of Uncertain Significance.

Mayo Clinic Laboratories, Mayo Clinic
Classification: Likely benign. Last evaluated: 2025-02-04. Review status: criteria provided, single submitter. Criteria: ACMG Guidelines, 2015. Collection method: clinical testing. Allele origin: germline. Observed: 1 variant allele.
Comment: BS2, BP4

Ambry Genetics
Classification: Uncertain significance for Inborn genetic diseases. Last evaluated: 2021-10-06. Review status: criteria provided, single submitter. Criteria: Ambry Variant Classification Scheme 2023. Collection method: clinical testing. Allele origin: germline.

Illumina Laboratory Services, Illumina
Classification: Likely benign for Amyotrophic lateral sclerosis type 21. Last evaluated: 2018-01-12. Review status: criteria provided, single submitter. Criteria: ICSL Variant Classification Criteria 13 December 2019. Collection method: clinical testing. Allele origin: germline.
Comment: This variant was observed in the ICSL laboratory as part of a predisposition screen in an ostensibly healthy population. It had not been previously curated by ICSL or reported in the Human Gene Mutation Database (HGMD: prior to June 1st, 2018), and was therefore a candidate for classification through an automated scoring system. Utilizing variant allele frequency, disease prevalence and penetrance estimates, and inheritance mode, an automated score was calculated to assess if this variant is too frequent to cause the disease. Based on the score and internal cut-off values, a variant classified as likely benign is not then subjected to further curation. The score for this variant resulted in a classification of likely benign for this disease.